The following is an entry in ClinVar:

ClinVar aggregate classification (germline): Likely benign (1 of 4 stars; one submission).

Submission:

GeneDx
Classification: Likely benign. Last evaluated: 2018-04-16. Review status: criteria provided, single submitter. Criteria: GeneDx Variant Classification (06012015). Collection method: clinical testing. Allele origin: germline. Affected: yes.
Comment: This variant is considered likely benign or benign based on one or more of the following criteria: it is a conservative change, it occurs at a poorly conserved position in the protein, it is predicted to be benign by multiple in silico algorithms, and/or has population frequency not consistent with disease.

NM_001267550.2(TTN):c.28135A>T (p.Ile9379Leu)

Gene: TTN (titin; minus strand). Cytogenetic location: 2q31.2.
Variant type: single nucleotide variant.
Coding change: c.28135A>T on transcript NM_001267550.2 (MANE Select); coding-DNA position 28135, A replaced by T.
Protein change: p.Ile9379Leu; replaces isoleucine 9379 with leucine.
Molecular consequence: missense variant. On other transcripts: intron variant (3).
Genome position (GRCh38, 1-based): chr2:178,711,101, T>A on the plus strand (A>T on the coding strand, the complement: TTN is on the minus strand). VCF-style: chr2-178711101-T-A. GRCh37 (hg19) VCF-style: chr2-179575828-T-A.
Other names: c.27184A>T, p.Ile9062Leu (NM_001256850.1); c.24403A>T, p.Ile8135Leu (NM_133378.4); c.13282+26981A>T (NM_003319.4); c.13858+26981A>T (NM_133437.4); c.13657+26981A>T (NM_133432.3); short protein forms I9062L, I9379L, I8135L.
Identifiers: ClinVar variation 682161 (VCV000682161.1), dbSNP rs1220876999, ClinGen allele CA349440174.
Genomic context (GRCh38, chr2:178,711,101, plus strand): 5'-AAAGTTTAAGAATCCACAAACCTGTGAGAATGAGCCTGGCACTGGAAGAAGCAGAGCCTA[T>A]AGGGTTTGTAGCTGTGCAGGAATACTGGCCTGCAAGGCTCCGGTCAGTTTTAAAAATATT-3'
Protein context (NP_001254479.2, residues 9369-9389): GQYSCTATNP[Ile9379Leu]GSASSSARLI